The following is an entry in ClinVar:

NM_033641.4(COL4A6):c.3229T>A (p.Ser1077Thr)

Gene: COL4A6 (collagen type IV alpha 6 chain; minus strand). Cytogenetic location: Xq22.3.
Variant type: single nucleotide variant.
Coding change: c.3229T>A on transcript NM_033641.4 (MANE Select); coding-DNA position 3229, T replaced by A.
Protein change: p.Ser1077Thr; replaces serine 1077 with threonine.
Molecular consequence: missense variant.
Genome position (GRCh38, 1-based): chrX:108,171,435, A>T on the plus strand (T>A on the coding strand, the complement: COL4A6 is on the minus strand). VCF-style: chrX-108171435-A-T. GRCh37 (hg19) VCF-style: chrX-107414665-A-T.
Other names: c.3280T>A, p.Ser1094Thr (NM_001287758.2); c.3229T>A, p.Ser1077Thr (NM_001287759.2, NM_001287760.2, NM_001440760.1); c.3232T>A, p.Ser1078Thr (NM_001440759.1, NM_001847.4); short protein forms S1077T, S1094T, S1078T.
Identifiers: ClinVar variation 4753872 (VCV004753872.1).

ClinVar aggregate classification (germline): Uncertain significance (1 of 4 stars; one submission).

Submission:

Labcorp Genetics (formerly Invitae), Labcorp
Classification: Uncertain significance. Last evaluated: 2025-08-10. Review status: criteria provided, single submitter. Criteria: Invitae Variant Classification Sherloc (09022015). Collection method: clinical testing. Allele origin: germline.
Comment: This sequence change replaces serine, which is neutral and polar, with threonine, which is neutral and polar, at codon 1078 of the COL4A6 protein (p.Ser1078Thr). This variant is not present in population databases (gnomAD no frequency). This variant has not been reported in the literature in individuals affected with COL4A6-related conditions. Invitae Evidence Modeling of protein sequence and biophysical properties (such as structural, functional, and spatial information, amino acid conservation, physicochemical variation, residue mobility, and thermodynamic stability) indicates that this missense variant is not expected to disrupt COL4A6 protein function with a negative predictive value of 80%. In summary, the available evidence is currently insufficient to determine the role of this variant in disease. Therefore, it has been classified as a Variant of Uncertain Significance.